The following is an entry in ClinVar:

ClinVar aggregate classification (germline): Uncertain significance. Review status: criteria provided, multiple submitters, no conflicts (2 of 4 stars). 2 submissions from 2 submitters: Uncertain significance (2). Last evaluated 2025-11-10.

Submissions (2):

Labcorp Genetics (formerly Invitae), Labcorp
Classification: Uncertain significance. Last evaluated: 2025-11-10. Review status: criteria provided, single submitter. Criteria: Invitae Variant Classification Sherloc (09022015). Collection method: clinical testing. Allele origin: germline.
Comment: This sequence change replaces glutamine, which is neutral and polar, with arginine, which is basic and polar, at codon 1313 of the RUSC2 protein (p.Gln1313Arg). This variant is not present in population databases (gnomAD no frequency). This variant has not been reported in the literature in individuals affected with RUSC2-related conditions. ClinVar contains an entry for this variant (Variation ID: 4158270). An algorithm developed to predict the effect of missense changes on protein structure and function (PolyPhen-2) suggests that this variant is likely to be tolerated. In summary, the available evidence is currently insufficient to determine the role of this variant in disease. Therefore, it has been classified as a Variant of Uncertain Significance.

Ambry Genetics
Classification: Uncertain significance. Last evaluated: 2025-08-02. Review status: criteria provided, single submitter. Criteria: Ambry Variant Classification Scheme 2023. Collection method: clinical testing. Allele origin: germline.

NM_014806.5(RUSC2):c.3938A>G (p.Gln1313Arg)

Gene: RUSC2 (RUN and SH3 domain containing 2; plus strand). Cytogenetic location: 9p13.3.
Variant type: single nucleotide variant.
Coding change: c.3938A>G on transcript NM_014806.5 (MANE Select); coding-DNA position 3938, A replaced by G.
Protein change: p.Gln1313Arg; replaces glutamine 1313 with arginine.
Molecular consequence: missense variant. On other transcripts: non-coding transcript variant (1).
Genome position (GRCh38, 1-based): chr9:35,560,578, A>G. VCF-style: chr9-35560578-A-G. GRCh37 (hg19) VCF-style: chr9-35560575-A-G.
Other names: c.3938A>G, p.Gln1313Arg (NM_001135999.2); c.1304A>G, p.Gln435Arg (NM_001330740.2); short protein forms Q435R, Q1313R.
Identifiers: ClinVar variation 4158270 (VCV004158270.2).
Genomic context (GRCh38, chr9:35,560,578, plus strand): 5'-GTGGTAGCAGCAACAGCAGCAGCGAGAAAAAGAAAGGGGCAGGAGGTGGGGGACCTCCCC[A>G]GGCTCCACCACCCCGAGAGGGAGTAGTGGAGGGGGCTGAGGCCTGCCCTGCCTCTGAGGA-3'
Protein context (NP_055621.2, residues 1303-1323): KKGAGGGGPP[Gln1313Arg]APPPREGVVE